The following is an entry in ClinVar:

NM_177438.3(DICER1):c.1639G>C (p.Val547Leu)

Gene: DICER1 (dicer 1, ribonuclease III; minus strand). Cytogenetic location: 14q32.13.
Variant type: single nucleotide variant.
Coding change: c.1639G>C on transcript NM_177438.3 (MANE Select); coding-DNA position 1639, G replaced by C.
Protein change: p.Val547Leu; replaces valine 547 with leucine.
Molecular consequence: missense variant. On other transcripts: 5 prime UTR variant (1), non-coding transcript variant (6).
Genome position (GRCh38, 1-based): chr14:95,116,566, C>G on the plus strand (G>C on the coding strand, the complement: DICER1 is on the minus strand). VCF-style: chr14-95116566-C-G. GRCh37 (hg19) VCF-style: chr14-95582903-C-G.
Other names: c.1234G>C, p.Val412Leu (NM_001395696.1, NM_001395698.1, NM_001395687.1 and 3 more transcripts); c.-45G>C (NM_001395697.1); c.1639G>C, p.Val547Leu (NM_030621.4, NM_001195573.1, NM_001271282.3 and 12 more transcripts); c.1357G>C, p.Val453Leu (NM_001395686.1); c.1072G>C, p.Val358Leu (NM_001395691.1); short protein forms V412L, V453L, V358L, V547L.
Identifiers: ClinVar variation 5035325 (VCV005035325.1).

ClinVar aggregate classification (germline): Uncertain significance (1 of 4 stars; one submission).

Conditions:
Hereditary cancer-predisposing syndrome. Also called: Hereditary Cancer Syndrome; Neoplastic Syndromes, Hereditary; Tumor predisposition; Hereditary neoplastic syndrome. Identifiers: Orphanet 140162, MedGen C0027672, MeSH D009386, MONDO:0015356.

Submission:

Ambry Genetics
Classification: Uncertain significance for Hereditary cancer-predisposing syndrome. Last evaluated: 2026-09-04. Review status: criteria provided, single submitter. Criteria: Ambry Variant Classification Scheme 2023. Collection method: clinical testing. Allele origin: germline.
Comment: The p.V547L variant (also known as c.1639G>C), located in coding exon 9 of the DICER1 gene, results from a G to C substitution at nucleotide position 1639. The valine at codon 547 is replaced by leucine, an amino acid with highly similar properties. This amino acid position is highly conserved in available vertebrate species. In addition, the in silico prediction for this alteration is inconclusive. Based on the available evidence, the clinical significance of this variant remains unclear.